The following is an entry in ClinVar:

NM_003719.5(PDE8B):c.591-7A>G

Gene: PDE8B (phosphodiesterase 8B; plus strand). Cytogenetic location: 5q13.3.
Variant type: single nucleotide variant.
Coding change: c.591-7A>G on transcript NM_003719.5 (MANE Select); 7 bases into the intron before coding-DNA position 591, A replaced by G.
Molecular consequence: intron variant.
Genome position (GRCh38, 1-based): chr5:77,328,991, A>G. VCF-style: chr5-77328991-A-G. GRCh37 (hg19) VCF-style: chr5-76624816-A-G.
Other names: p.?; c.351-7A>G (NM_001349750.3); c.348-7A>G (NM_001376069.1); c.288-7A>G (NM_001376062.1, NM_001376072.1, NM_001376070.1 and 1 more transcripts); c.285-7A>G (NM_001349752.3, NM_001376071.1); c.228-7A>G (NM_001376066.1, NM_001376074.1); c.219-7A>G (NM_001349753.2, NM_001376067.1, NM_001376075.1 and 1 more transcripts); c.654-7A>G (NM_001349749.3); and 3 more.
Identifiers: ClinVar variation 354153 (VCV000354153.13), dbSNP rs200516880, ClinGen allele CA3314975.

ClinVar aggregate classification (germline): Benign/Likely benign. Review status: criteria provided, multiple submitters, no conflicts (2 of 4 stars). 3 submissions from 3 submitters: Benign (2); Likely benign (1). Last evaluated 2025-07-20.

Conditions:
Autosomal dominant striatal neurodegeneration type 1. Identifiers: Orphanet 228169, MedGen C4310808, MONDO:0012205, OMIM 609161.

Allele frequency attached by ClinVar (database versions not stated): ESP Exome Variant Server 0.00023; gnomAD exomes 0.00023 and 0.00048; gnomAD 0.00024 and 0.00026; TOPMed 0.00033; ExAC 0.00037.
gnomAD v4.1: 415 of 1,613,582 alleles (0.026%); highest among the groups gnomAD compares: Middle Eastern, 0.033%; 3 homozygotes.

Submissions (3):

Labcorp Genetics (formerly Invitae), Labcorp
Classification: Benign. Last evaluated: 2025-07-20. Review status: criteria provided, single submitter. Criteria: Invitae Variant Classification Sherloc (09022015). Collection method: clinical testing. Allele origin: germline.

Mayo Clinic Laboratories, Mayo Clinic
Classification: Likely benign. Last evaluated: 2024-11-26. Review status: criteria provided, single submitter. Criteria: ACMG Guidelines, 2015. Collection method: clinical testing. Allele origin: germline. Observed: 2 variant alleles.
Comment: BS2, BP4, BP7

Illumina Laboratory Services, Illumina
Classification: Benign for Autosomal dominant striatal neurodegeneration type 1. Last evaluated: 2018-01-12. Review status: criteria provided, single submitter. Criteria: ICSL Variant Classification Criteria 13 December 2019. Collection method: clinical testing. Allele origin: germline.
Comment: This variant was observed in the ICSL laboratory as part of a predisposition screen in an ostensibly healthy population. It had not been previously curated by ICSL or reported in the Human Gene Mutation Database (HGMD: prior to June 1st, 2018), and was therefore a candidate for classification through an automated scoring system. Utilizing variant allele frequency, disease prevalence and penetrance estimates, and inheritance mode, an automated score was calculated to assess if this variant is too frequent to cause the disease. Based on the score and internal cut-off values, a variant classified as benign is not then subjected to further curation. The score for this variant resulted in a classification of benign for this disease.